The following is an entry in ClinVar:

ClinVar aggregate classification (germline): Uncertain significance (1 of 4 stars; one submission).

Conditions:
Ehlers-Danlos syndrome, type 4 (EDSVASC). Also called: Ehlers-Danlos syndrome vascular type; Ehlers Danlos syndrome, ecchymotic type; Ehlers Danlos syndrome, arterial type; Ehlers Danlos syndrome, Sack-Barabas type; Ehlers-Danlos Syndrome Type IV. Identifiers: Orphanet 286, MedGen C0268338, MONDO:0017314, OMIM 130050.

Allele frequency attached by ClinVar (database versions not stated): TOPMed below 0.00001.
gnomAD v4.1: 1 of 1,614,168 alleles (0.000062%); highest among the groups gnomAD compares: Admixed American, 0.0017%; no homozygotes.

Submission:

Labcorp Genetics (formerly Invitae), Labcorp
Classification: Uncertain significance for Ehlers-Danlos syndrome, type 4. Last evaluated: 2022-07-12. Review status: criteria provided, single submitter. Criteria: Invitae Variant Classification Sherloc (09022015). Collection method: clinical testing. Allele origin: germline.
Comment: This sequence change replaces glutamic acid, which is acidic and polar, with lysine, which is basic and polar, at codon 1233 of the COL3A1 protein (p.Glu1233Lys). This variant is not present in population databases (gnomAD no frequency). This variant has not been reported in the literature in individuals affected with COL3A1-related conditions. Advanced modeling of protein sequence and biophysical properties (such as structural, functional, and spatial information, amino acid conservation, physicochemical variation, residue mobility, and thermodynamic stability) performed at Invitae indicates that this missense variant is not expected to disrupt COL3A1 protein function. In summary, the available evidence is currently insufficient to determine the role of this variant in disease. Therefore, it has been classified as a Variant of Uncertain Significance.

NM_000090.4(COL3A1):c.3697G>A (p.Glu1233Lys)

Gene: COL3A1 (collagen type III alpha 1 chain; plus strand). Cytogenetic location: 2q32.2.
Variant type: single nucleotide variant.
Coding change: c.3697G>A on transcript NM_000090.4 (MANE Select); coding-DNA position 3697, G replaced by A.
Protein change: p.Glu1233Lys; replaces glutamic acid 1233 with lysine.
Molecular consequence: missense variant.
Genome position (GRCh38, 1-based): chr2:189,009,095, G>A. VCF-style: chr2-189009095-G-A. GRCh37 (hg19) VCF-style: chr2-189873821-G-A.
Other names: short protein forms E1233K.
Identifiers: ClinVar variation 2142190 (VCV002142190.4), dbSNP rs1688662216, ClinGen allele CA349847196.